The following is an entry in ClinVar:

ClinVar aggregate classification (germline): Uncertain significance. Review status: criteria provided, multiple submitters, no conflicts (2 of 4 stars). 2 submissions from 2 submitters: Uncertain significance (2). Last evaluated 2026-05-11.

Conditions:
Inborn genetic diseases. Identifiers: MedGen C0950123, MeSH D030342.
RP1L1-related disorder. Also called: RP1L1-related condition.

gnomAD v4.1: 6 of 1,614,020 alleles (0.00037%); highest among the groups gnomAD compares: Admixed American, 0.01%; no homozygotes.

Submissions (2):

PreventionGenetics, part of Exact Sciences
Classification: Uncertain significance for RP1L1-related condition. Last evaluated: 2026-05-11. Review status: criteria provided, single submitter. Criteria: ACMG Guidelines, 2015. Collection method: clinical testing. Allele origin: germline.
Comment: The RP1L1 c.5237G>C variant is predicted to result in the amino acid substitution p.Gly1746Ala. To our knowledge, this variant has not been reported in the literature. This variant is reported in 0.014% of alleles in individuals of Latino descent in gnomAD. At this time, the clinical significance of this variant is uncertain due to the absence of conclusive functional and genetic evidence.

Ambry Genetics
Classification: Uncertain significance for Inborn genetic diseases. Last evaluated: 2025-02-21. Review status: criteria provided, single submitter. Criteria: Ambry Variant Classification Scheme 2023. Collection method: clinical testing. Allele origin: germline.

NM_178857.6(RP1L1):c.5237G>C (p.Gly1746Ala)

Gene: RP1L1 (RP1 like 1). Cytogenetic location: 8p23.1.
Variant type: single nucleotide variant.
Coding change: c.5237G>C on transcript NM_178857.6 (MANE Select); coding-DNA position 5237, G replaced by C.
Protein change: p.Gly1746Ala; replaces glycine 1746 with alanine.
Molecular consequence: missense variant.
Genome position (GRCh38, 1-based): chr8:10,608,861, C>G on the plus strand (G>C on the coding strand, the complement: RP1L1 is on the minus strand). VCF-style: chr8-10608861-C-G. GRCh37 (hg19) VCF-style: chr8-10466371-C-G.
Other names: short protein forms G1746A.
Identifiers: ClinVar variation 3790226 (VCV003790226.2).